The following is an entry in ClinVar:

NM_000558.5(HBA1):c.3G>A (p.Met1Ile)

Genes: HBA1 (hemoglobin subunit alpha 1; plus strand), LOC106804613 (hemoglobin subunit alpha 1 recombination region; plus strand). Cytogenetic location: 16p13.3.
Variant type: single nucleotide variant.
Coding change: c.3G>A on transcript NM_000558.5 (MANE Select); coding-DNA position 3, G replaced by A.
Protein change: p.Met1Ile; changes the start codon (methionine 1).
Molecular consequence: missense variant, initiator codon variant.
Genome position (GRCh38, 1-based): chr16:176,719, G>A. VCF-style: chr16-176719-G-A. GRCh37 (hg19) VCF-style: chr16-226718-G-A.
Other names: c.3G>A (NM_000558.4); short protein forms M1I.
Identifiers: ClinVar variation 4533036 (VCV004533036.2).

ClinVar aggregate classification (germline): Likely pathogenic. Review status: criteria provided, multiple submitters, no conflicts (2 of 4 stars). 2 submissions from 2 submitters: Likely pathogenic (2). Last evaluated 2025-04-25.

Conditions:
alpha Thalassemia. Also called: Alpha thalassemia spectrum. Identifiers: Orphanet 846, MedGen C0002312, MONDO:0011399, OMIM 604131.

Submissions (2):

Quest Diagnostics Nichols Institute San Juan Capistrano
Classification: Likely pathogenic. Last evaluated: 2025-04-25. Review status: criteria provided, single submitter. Criteria: Quest Diagnostics criteria. Collection method: clinical testing. Allele origin: unknown.
Comment: The HBA1 c.3G>A variant alters the normal translation start codon from ATG to ATA and is predicted to disrupt alpha1-globin mRNA translation. To the best of our knowledge, this variant has not been reported in the published literature. However other HBA1 start-loss variants, e.g. c.1A>G and c.2T>A, have been reported in individuals with Hb H disease and alpha-thalassemia trait, with significantly reduced HBA1 steady-state mRNA levels (PMID: 3680504 (1987), 27821014 (2016)). The c.3G>A variant has not been reported in large, multi-ethnic general populations (Genome Aggregation Database). Based on the available information, this variant is classified as likely pathogenic.

Natera, Inc.
Classification: Likely pathogenic for Alpha thalassemia. Last evaluated: 2025-03-03. Review status: criteria provided, single submitter. Criteria: Natera Variant Classification Schema (03/2026). Collection method: clinical testing. Allele origin: germline.
Comment: The c.3G>A variant in HBA1 is predicted to result in start loss due to disruption of the initiator methionine. This variant is expected to result in nonsense mediated decay, truncation, or a dysfunctional protein product. This variant is rare in the general population with a frequency below the threshold expected for the associated phenotype(s). Given the available evidence, this variant is classified as Likely Pathogenic.